The following is an entry in ClinVar:

NM_003038.5(SLC1A4):c.1181C>T (p.Ala394Val)

Gene: SLC1A4 (solute carrier family 1 member 4; plus strand). Cytogenetic location: 2p14.
Variant type: single nucleotide variant.
Coding change: c.1181C>T on transcript NM_003038.5 (MANE Select); coding-DNA position 1181, C replaced by T.
Protein change: p.Ala394Val; replaces alanine 394 with valine.
Molecular consequence: missense variant.
Genome position (GRCh38, 1-based): chr2:65,018,217, C>T. VCF-style: chr2-65018217-C-T. GRCh37 (hg19) VCF-style: chr2-65245351-C-T.
Other names: c.287C>T, p.Ala96Val (NM_001193493.2); c.521C>T, p.Ala174Val (NM_001348406.2, NM_001348407.2); short protein forms A174V, A394V, A96V.
Identifiers: ClinVar variation 2075130 (VCV002075130.1), dbSNP rs768616901, ClinGen allele CA1686091.

ClinVar aggregate classification (germline): Uncertain significance (1 of 4 stars; one submission).

Allele frequency attached by ClinVar (database versions not stated): ExAC 0.00005; TOPMed 0.00006; gnomAD exomes 0.00010; gnomAD 0.00011.
gnomAD v4.1: 168 of 1,614,150 alleles (0.01%); highest among the groups gnomAD compares: African/African-American, 0.013%; no homozygotes.

Submission:

Labcorp Genetics (formerly Invitae), Labcorp
Classification: Uncertain significance. Last evaluated: 2022-04-01. Review status: criteria provided, single submitter. Criteria: Invitae Variant Classification Sherloc (09022015). Collection method: clinical testing. Allele origin: germline.
Comment: This sequence change replaces alanine, which is neutral and non-polar, with valine, which is neutral and non-polar, at codon 394 of the SLC1A4 protein (p.Ala394Val). This variant is present in population databases (rs768616901, gnomAD 0.009%). This variant has not been reported in the literature in individuals affected with SLC1A4-related conditions. Algorithms developed to predict the effect of missense changes on protein structure and function (SIFT, PolyPhen-2, Align-GVGD) all suggest that this variant is likely to be disruptive. In summary, the available evidence is currently insufficient to determine the role of this variant in disease. Therefore, it has been classified as a Variant of Uncertain Significance.